The following is an entry in ClinVar:

ClinVar aggregate classification (germline): Likely benign (0 of 4 stars; one submission).

Conditions:
CD44-related disorder. Also called: CD44-related condition.

Allele frequency attached by ClinVar (database versions not stated): ExAC 0.00054; 1000 Genomes Project 0.00160; 1000 Genomes Project 30x 0.00172; gnomAD 0.00178; TOPMed 0.00184; ESP Exome Variant Server 0.00192.
gnomAD v4.1: 483 of 1,611,396 alleles (0.03%); highest among the groups gnomAD compares: African/African-American, 0.61%; 3 homozygotes.

Submission:

PreventionGenetics, part of Exact Sciences
Classification: Likely benign for CD44-related condition. Last evaluated: 2019-11-11. Review status: no assertion criteria provided. Collection method: clinical testing. Allele origin: germline.
Comment: This variant is classified as likely benign based on ACMG/AMP sequence variant interpretation guidelines (Richards et al. 2015 PMID: 25741868, with internal and published modifications).

NM_000610.4(CD44):c.1282+10G>A

Gene: CD44 (CD44 molecule (IN blood group); plus strand). Cytogenetic location: 11p13.
Variant type: single nucleotide variant.
Coding change: c.1282+10G>A on transcript NM_000610.4 (MANE Select); 10 bases into the intron after coding-DNA position 1282, G replaced by A.
Molecular consequence: intron variant.
Genome position (GRCh38, 1-based): chr11:35,204,650, G>A. VCF-style: chr11-35204650-G-A. GRCh37 (hg19) VCF-style: chr11-35226197-G-A.
Other names: c.1153+10G>A (NM_001001389.2); c.668-3455G>A (NM_001001390.2); c.668-6596G>A (NM_001202555.2); c.668-10202G>A (NM_001001391.2, NM_001202557.2); c.667+14585G>A (NM_001202556.2); c.234-17055G>A (NM_001001392.2).
Identifiers: ClinVar variation 3053593 (VCV003053593.2), dbSNP rs201499346, ClinGen allele CA5946638.